The following is an entry in ClinVar:

NM_001130009.3(GEN1):c.1943A>T (p.Asp648Val)

Gene: GEN1 (GEN1 Holliday junction 5' flap endonuclease; plus strand). Cytogenetic location: 2p24.2.
Variant type: single nucleotide variant.
Coding change: c.1943A>T on transcript NM_001130009.3 (MANE Select); coding-DNA position 1943, A replaced by T.
Protein change: p.Asp648Val; replaces aspartic acid 648 with valine.
Molecular consequence: missense variant.
Genome position (GRCh38, 1-based): chr2:17,781,155, A>T. VCF-style: chr2-17781155-A-T. GRCh37 (hg19) VCF-style: chr2-17962422-A-T.
Other names: c.1943A>T, p.Asp648Val (NM_182625.5); short protein forms D648V.
Identifiers: ClinVar variation 4029267 (VCV004029267.1).

ClinVar aggregate classification (germline): Uncertain significance (1 of 4 stars; one submission).

Submission:

Ambry Genetics
Classification: Uncertain significance. Last evaluated: 2025-05-02. Review status: criteria provided, single submitter. Criteria: Ambry Variant Classification Scheme 2023. Collection method: clinical testing. Allele origin: germline.
Comment: The p.D648V variant (also known as c.1943A>T), located in coding exon 13 of the GEN1 gene, results from an A to T substitution at nucleotide position 1943. The aspartic acid at codon 648 is replaced by valine, an amino acid with highly dissimilar properties. This amino acid position is conserved. In addition, this alteration is predicted to be tolerated by in silico analysis. Based on the available evidence, the clinical significance of this variant remains unclear.